The following is an entry in ClinVar:

ClinVar aggregate classification (germline): Uncertain significance. Review status: criteria provided, multiple submitters, no conflicts (2 of 4 stars). 2 submissions from 2 submitters: Uncertain significance (2). Last evaluated 2024-01-07.

Conditions:
Leukocyte adhesion deficiency 3. Also called: INTEGRIN ACTIVATION DEFICIENCY DISEASE; LEUKOCYTE ADHESION DEFICIENCY 1 VARIANT; Leukocyte adhesion deficiency, type III. Identifiers: Orphanet 2968, Orphanet 99844, MedGen C2748536, MONDO:0013016, OMIM 612840.

Allele frequency attached by ClinVar (database versions not stated): gnomAD exomes 0.00002; ExAC 0.00003; TOPMed 0.00006; gnomAD 0.00011 and 0.00012; 1000 Genomes Project 0.00020; 1000 Genomes Project 30x 0.00031.
gnomAD v4.1: 49 of 1,614,172 alleles (0.003%); highest among the groups gnomAD compares: African/African-American, 0.025%; no homozygotes.

Submissions (2):

Labcorp Genetics (formerly Invitae), Labcorp
Classification: Uncertain significance for Leukocyte adhesion deficiency 3. Last evaluated: 2024-01-07. Review status: criteria provided, single submitter. Criteria: Invitae Variant Classification Sherloc (09022015). Collection method: clinical testing. Allele origin: germline.
Comment: This sequence change replaces arginine, which is basic and polar, with histidine, which is basic and polar, at codon 90 of the FERMT3 protein (p.Arg90His). This variant is present in population databases (rs552829558, gnomAD 0.03%). This variant has not been reported in the literature in individuals affected with FERMT3-related conditions. ClinVar contains an entry for this variant (Variation ID: 654615). Advanced modeling of protein sequence and biophysical properties (such as structural, functional, and spatial information, amino acid conservation, physicochemical variation, residue mobility, and thermodynamic stability) performed at Invitae indicates that this missense variant is not expected to disrupt FERMT3 protein function with a negative predictive value of 80%. In summary, the available evidence is currently insufficient to determine the role of this variant in disease. Therefore, it has been classified as a Variant of Uncertain Significance.

Blueprint Genetics
Classification: Uncertain significance. Last evaluated: 2022-07-17. Review status: criteria provided, single submitter. Criteria: ACMG Guidelines, 2015. Collection method: clinical testing. Allele origin: germline.

NM_031471.6(FERMT3):c.269G>A (p.Arg90His)

Gene: FERMT3 (FERM domain containing kindlin 3; plus strand). Cytogenetic location: 11q13.1.
Variant type: single nucleotide variant.
Coding change: c.269G>A on transcript NM_031471.6 (MANE Select); coding-DNA position 269, G replaced by A.
Protein change: p.Arg90His; replaces arginine 90 with histidine.
Molecular consequence: missense variant. On other transcripts: 5 prime UTR variant (2).
Genome position (GRCh38, 1-based): chr11:64,210,719, G>A. VCF-style: chr11-64210719-G-A. GRCh37 (hg19) VCF-style: chr11-63978191-G-A.
Other names: c.269G>A, p.Arg90His (NM_001382361.1, NM_001382362.1, NM_001382448.1 and 1 more transcripts); c.-272G>A (NM_001382363.1, NM_001382364.1); short protein forms R90H.
Identifiers: ClinVar variation 654615 (VCV000654615.8), dbSNP rs552829558, ClinGen allele CA6068696.